The following is an entry in ClinVar:

ClinVar aggregate classification (germline): Uncertain significance (1 of 4 stars; one submission).

Submission:

Labcorp Genetics (formerly Invitae), Labcorp
Classification: Uncertain significance. Last evaluated: 2021-12-02. Review status: criteria provided, single submitter. Criteria: Invitae Variant Classification Sherloc (09022015). Collection method: clinical testing. Allele origin: germline.
Comment: In summary, the available evidence is currently insufficient to determine the role of this variant in disease. Therefore, it has been classified as a Variant of Uncertain Significance. Algorithms developed to predict the effect of missense changes on protein structure and function (SIFT, PolyPhen-2, Align-GVGD) all suggest that this variant is likely to be disruptive. This variant has not been reported in the literature in individuals affected with POLR3B-related conditions. This variant is not present in population databases (gnomAD no frequency). This sequence change replaces leucine, which is neutral and non-polar, with arginine, which is basic and polar, at codon 1068 of the POLR3B protein (p.Leu1068Arg).

NM_018082.6(POLR3B):c.3203T>G (p.Leu1068Arg)

Genes: POLR3B (RNA polymerase III subunit B; plus strand), RFX4-AS1 (RFX4 antisense RNA 1; minus strand). Cytogenetic location: 12q23.3.
Variant type: single nucleotide variant.
Coding change: c.3203T>G on transcript NM_018082.6 (MANE Select); coding-DNA position 3203, T replaced by G.
Protein change: p.Leu1068Arg; replaces leucine 1068 with arginine.
Molecular consequence: missense variant.
Genome position (GRCh38, 1-based): chr12:106,504,185, T>G. VCF-style: chr12-106504185-T-G. GRCh37 (hg19) VCF-style: chr12-106897963-T-G.
Other names: c.3029T>G, p.Leu1010Arg (NM_001160708.2); short protein forms L1010R, L1068R.
Identifiers: ClinVar variation 1481213 (VCV001481213.8), dbSNP rs2137088991, ClinGen allele CA386394211.
Genomic context (GRCh38, chr12:106,504,185, plus strand): 5'-GGGAAATGGAACGTGACTGTTTAATCGGTTATGGAGCCAGTATGCTTTTGCTAGAGAGAC[T>G]AATGATTTCAAGTGATGCCTTTGAGGTTGATGTCTGTGGGCAGTGTGGACTTCTGGGGTA-3'
Protein context (NP_060552.4, residues 1058-1078): YGASMLLLER[Leu1068Arg]MISSDAFEVD